The following is an entry in ClinVar:

NM_130468.4(CHST14):c.1046A>T (p.Gln349Leu)

Gene: CHST14 (carbohydrate sulfotransferase 14; plus strand). Cytogenetic location: 15q15.1.
Variant type: single nucleotide variant.
Coding change: c.1046A>T on transcript NM_130468.4 (MANE Select); coding-DNA position 1046, A replaced by T.
Protein change: p.Gln349Leu; replaces glutamine 349 with leucine.
Molecular consequence: missense variant.
Genome position (GRCh38, 1-based): chr15:40,472,259, A>T. VCF-style: chr15-40472259-A-T. GRCh37 (hg19) VCF-style: chr15-40764458-A-T.
Other names: short protein forms Q349L.
Identifiers: ClinVar variation 1775451 (VCV001775451.2), dbSNP rs1463514561, ClinGen allele CA391768783.
Genomic context (GRCh38, chr15:40,472,259, plus strand): 5'-GGCCAGCCAGCCCCGAAAGCCTGCATTACCACTTGTGCAGTGCCCCCCGGGCCCTGCTGC[A>T]GGATGTGCTGCCTAAGTATATCCTGGACTTCTCCCTCTTTGCCTACCCACTGCCTAATGT-3'
Protein context (NP_569735.1, residues 339-359): HLCSAPRALL[Gln349Leu]DVLPKYILDF

ClinVar aggregate classification (germline): Uncertain significance (1 of 4 stars; one submission).

Conditions:
Cardiovascular phenotype. Identifiers: MedGen CN230736.

Submission:

Ambry Genetics
Classification: Uncertain significance for Cardiovascular phenotype. Last evaluated: 2022-09-13. Review status: criteria provided, single submitter. Criteria: Ambry Variant Classification Scheme 2023. Collection method: clinical testing. Allele origin: germline.
Comment: The p.Q349L variant (also known as c.1046A>T), located in coding exon 1 of the CHST14 gene, results from an A to T substitution at nucleotide position 1046. The glutamine at codon 349 is replaced by leucine, an amino acid with dissimilar properties. This amino acid position is conserved. In addition, this alteration is predicted to be tolerated by in silico analysis. Since supporting evidence is limited at this time, the clinical significance of this alteration remains unclear.